The following is an entry in ClinVar:

ClinVar aggregate classification (germline): Uncertain significance (1 of 4 stars; one submission).

Conditions:
Nephrolithiasis/nephrocalcinosis. Identifiers: MedGen CN580796.

Allele frequency attached by ClinVar (database versions not stated): gnomAD exomes below 0.00001.
gnomAD v4.1: 2 of 1,614,210 alleles (0.00012%); highest among the groups gnomAD compares: Non-Finnish European, 0.00017%; no homozygotes.

Submission:

Ambry Genetics
Classification: Uncertain significance for Nephrolithiasis/nephrocalcinosis. Last evaluated: 2021-09-12. Review status: criteria provided, single submitter. Criteria: Ambry Variant Classification Scheme 2023. Collection method: clinical testing. Allele origin: germline.
Comment: The p.Q49R variant (also known as c.146A>G), located in coding exon 1 of the CASR gene, results from an A to G substitution at nucleotide position 146. The glutamine at codon 49 is replaced by arginine, an amino acid with highly similar properties. This amino acid position is conserved. In addition, the in silico prediction for this alteration is inconclusive. Since supporting evidence is limited at this time, the clinical significance of this alteration remains unclear.

NM_000388.4(CASR):c.146A>G (p.Gln49Arg)

Gene: CASR (calcium sensing receptor; plus strand). Cytogenetic location: 3q21.1.
Variant type: single nucleotide variant.
Coding change: c.146A>G on transcript NM_000388.4 (MANE Select); coding-DNA position 146, A replaced by G.
Protein change: p.Gln49Arg; replaces glutamine 49 with arginine.
Molecular consequence: missense variant.
Genome position (GRCh38, 1-based): chr3:122,254,335, A>G. VCF-style: chr3-122254335-A-G. GRCh37 (hg19) VCF-style: chr3-121973182-A-G.
Other names: c.146A>G, p.Gln49Arg (NM_001178065.2); short protein forms Q49R.
Identifiers: ClinVar variation 1773322 (VCV001773322.2), dbSNP rs1212959682, ClinGen allele CA354362228.